The following is an entry in ClinVar:

NM_024649.5(BBS1):c.331del (p.Cys111fs)

Gene: BBS1 (Bardet-Biedl syndrome 1; plus strand). Cytogenetic location: 11q13.2.
Variant type: Deletion.
Coding change: c.331del on transcript NM_024649.5 (MANE Select); coding-DNA position 331, one base deleted (T; older notation c.331delT).
Protein change: p.Cys111fs; shifts the reading frame from cysteine 111.
Molecular consequence: frameshift variant.
Genome position (GRCh38, 1-based): chr11:66,514,577, T deleted; the last of 2 consecutive T bases (chr11:66,514,576-66,514,577); deleting either gives the same sequence. VCF-style (leftmost placement, unchanged base first): chr11-66514575-CT-C. GRCh37 (hg19) VCF-style: chr11-66282046-CT-C.
Other names: short protein forms C111fs.
Identifiers: ClinVar variation 2837484 (VCV002837484.3), dbSNP rs2495736635, ClinGen allele CA2739270540.

ClinVar aggregate classification (germline): Pathogenic (1 of 4 stars; one submission).

Conditions:
Bardet-Biedl syndrome (BBS). Identifiers: Orphanet 110, MedGen C0752166, MONDO:0015229.

Submission:

Labcorp Genetics (formerly Invitae), Labcorp
Classification: Pathogenic for Bardet-Biedl syndrome. Last evaluated: 2023-08-25. Review status: criteria provided, single submitter. Criteria: Invitae Variant Classification Sherloc (09022015). Collection method: clinical testing. Allele origin: germline.
Comment: This variant is not present in population databases (gnomAD no frequency). This sequence change creates a premature translational stop signal (p.Cys111Valfs*40) in the BBS1 gene. It is expected to result in an absent or disrupted protein product. Loss-of-function variants in BBS1 are known to be pathogenic (PMID: 12118255, 21520335, 27032803). This variant has not been reported in the literature in individuals affected with BBS1-related conditions. For these reasons, this variant has been classified as Pathogenic.

Literature cited by the submitters: PubMed 12118255; PubMed 21520335; PubMed 27032803.